The following is an entry in ClinVar:

NM_012232.6(CAVIN1):c.*1912C>T

Gene: CAVIN1 (caveolae associated protein 1; minus strand). Cytogenetic location: 17q21.2.
Variant type: single nucleotide variant.
Coding change: c.*1912C>T on transcript NM_012232.6 (MANE Select); 1912 bases downstream of the stop codon, C replaced by T.
Molecular consequence: 3 prime UTR variant.
Genome position (GRCh38, 1-based): chr17:42,402,775, G>A on the plus strand (C>T on the coding strand, the complement: CAVIN1 is on the minus strand). VCF-style: chr17-42402775-G-A. GRCh37 (hg19) VCF-style: chr17-40554793-G-A.
Identifiers: ClinVar variation 889710 (VCV000889710.4), dbSNP rs12892, ClinGen allele CA290748671.

ClinVar aggregate classification (germline): Likely benign (1 of 4 stars; one submission).

Conditions:
Congenital generalized lipodystrophy type 4. Also called: BERARDINELLI-SEIP CONGENITAL LIPODYSTROPHY, TYPE 4, WITH MUSCULAR DYSTROPHY. Identifiers: Orphanet 228429, MedGen C2750069, MONDO:0013225, OMIM 613327.

Allele frequency attached by ClinVar (database versions not stated): 1000 Genomes Project 0.00359; TOPMed 0.00384; 1000 Genomes Project 30x 0.00422.

Submission:

Illumina Laboratory Services, Illumina
Classification: Likely benign for Congenital generalized lipodystrophy type 4. Last evaluated: 2018-01-13. Review status: criteria provided, single submitter. Criteria: ICSL Variant Classification Criteria 13 December 2019. Collection method: clinical testing. Allele origin: germline.
Comment: This variant was observed in the ICSL laboratory as part of a predisposition screen in an ostensibly healthy population. It had not been previously curated by ICSL or reported in the Human Gene Mutation Database (HGMD: prior to June 1st, 2018), and was therefore a candidate for classification through an automated scoring system. Utilizing variant allele frequency, disease prevalence and penetrance estimates, and inheritance mode, an automated score was calculated to assess if this variant is too frequent to cause the disease. Based on the score and internal cut-off values, a variant classified as likely benign is not then subjected to further curation. The score for this variant resulted in a classification of likely benign for this disease.